The following is an entry in ClinVar:

ClinVar aggregate classification (germline): Uncertain significance. Review status: criteria provided, multiple submitters, no conflicts (2 of 4 stars). 4 submissions from 4 submitters: Uncertain significance (3). 1 of the submissions does not count toward it. Last evaluated 2025-10-28.

Conditions:
COL9A3-related disorder. Also called: COL9A3-related condition.

gnomAD v4.1: 27 of 1,540,522 alleles (0.0018%); highest among the groups gnomAD compares: Admixed American, 0.0059%; no homozygotes.

Submissions (4):

Labcorp Genetics (formerly Invitae), Labcorp
Classification: Uncertain significance. Last evaluated: 2025-10-28. Review status: criteria provided, single submitter. Criteria: Invitae Variant Classification Sherloc (09022015). Collection method: clinical testing. Allele origin: germline.
Comment: This sequence change replaces proline, which is neutral and non-polar, with serine, which is neutral and polar, at codon 33 of the COL9A3 protein (p.Pro33Ser). This variant is present in population databases (no rsID available, gnomAD 0.004%). This variant has not been reported in the literature in individuals affected with COL9A3-related conditions. ClinVar contains an entry for this variant (Variation ID: 1359740). Invitae Evidence Modeling of protein sequence and biophysical properties (such as structural, functional, and spatial information, amino acid conservation, physicochemical variation, residue mobility, and thermodynamic stability) indicates that this missense variant is not expected to disrupt COL9A3 protein function with a negative predictive value of 95%. In summary, the available evidence is currently insufficient to determine the role of this variant in disease. Therefore, it has been classified as a Variant of Uncertain Significance.

Blueprint Genetics
Classification: Uncertain significance. Last evaluated: 2024-02-19. Review status: criteria provided, single submitter. Criteria: ACMG Guidelines, 2015. Collection method: clinical testing. Allele origin: germline.

Women's Health and Genetics/Laboratory Corporation of America, LabCorp
Classification: Uncertain significance. Last evaluated: 2023-11-22. Review status: criteria provided, single submitter. Criteria: LabCorp Variant Classification Summary - May 2015. Collection method: clinical testing. Allele origin: germline.
Comment: Variant summary: COL9A3 c.97C>T (p.Pro33Ser) results in a non-conservative amino acid change in the encoded protein sequence. Four of four in-silico tools predict a damaging effect of the variant on protein function. The variant allele was found at a frequency of 2.1e-05 in 141102 control chromosomes. The available data on variant occurrences in the general population are insufficient to allow any conclusion about variant significance. c.97C>T has been reported in the literature in individuals affected with cerebral palsy, without strong evidence for causality (Pingel_2019). This report does not provide unequivocal conclusions about association of the variant with Epiphyseal Dysplasia, Multiple, 3. To our knowledge, no experimental evidence demonstrating an impact on protein function has been reported. One submitter has cited clinical-significance assessments for this variant to ClinVar after 2014 and has classified the variant as uncertain significance. Based on the evidence outlined above, the variant was classified as uncertain significance.

PreventionGenetics, part of Exact Sciences
Classification: Uncertain significance for COL9A3-related condition. Last evaluated: 2024-05-21. Review status: no assertion criteria provided. Collection method: clinical testing. Allele origin: germline. Not counted in ClinVar's aggregate classification.
Comment: The COL9A3 c.97C>T variant is predicted to result in the amino acid substitution p.Pro33Ser. This variant was reported in an individual with cerebral palsy and was interpreted as uncertain (Table 3, Pingel et al 2019. PubMed ID: 30467950). This variant is reported in 0.0042% of alleles in individuals of Latino descent in gnomAD. At this time, the clinical significance of this variant is uncertain due to the absence of conclusive functional and genetic evidence.

Literature cited by the submitters: PubMed 30467950 (cited by Women's Health and Genetics/Laboratory Corporation of America, LabCorp).

NM_001853.4(COL9A3):c.97C>T (p.Pro33Ser)

Gene: COL9A3 (collagen type IX alpha 3 chain; plus strand). Cytogenetic location: 20q13.33.
Variant type: single nucleotide variant.
Coding change: c.97C>T on transcript NM_001853.4 (MANE Select); coding-DNA position 97, C replaced by T.
Protein change: p.Pro33Ser; replaces proline 33 with serine.
Molecular consequence: missense variant.
Genome position (GRCh38, 1-based): chr20:62,817,585, C>T. VCF-style: chr20-62817585-C-T. GRCh37 (hg19) VCF-style: chr20-61448937-C-T.
Other names: c.97C>T (NM_001853.3); short protein forms P33S.
Identifiers: ClinVar variation 1359740 (VCV001359740.9), dbSNP rs745914662, ClinGen allele CA409587091.